The following is an entry in ClinVar:

NM_000439.5(PCSK1):c.1906_1917del (p.Pro636_Asn639del)

Genes: CAST (calpastatin; plus strand), PCSK1 (proprotein convertase subtilisin/kexin type 1; minus strand), LOC101929710 (uncharacterized LOC101929710; plus strand). Cytogenetic location: 5q15.
Variant type: Deletion.
Coding change: c.1906_1917del on transcript NM_000439.5 (MANE Select); coding-DNA positions 1906 to 1917, 12 bases deleted (CCTAAGGAGAAC).
Protein change: p.Pro636_Asn639del.
Molecular consequence: inframe deletion. On other transcripts: intron variant (11).
Genome position (GRCh38, 1-based): chr5:96,393,346-96,393,357, GTTCTCCTTAGG deleted on the plus strand (CCTAAGGAGAAC on the coding strand, the reverse complement: PCSK1 is on the minus strand); deleting any 12 consecutive bases within chr5:96,393,346-96,393,363 gives the same sequence; the c. name uses the placement nearest the transcript's 3' end. VCF-style (leftmost placement, unchanged base first): chr5-96393345-TGTTCTCCTTAGG-T. GRCh37 (hg19) VCF-style: chr5-95729049-TGTTCTCCTTAGG-T.
Other names: c.1765_1776del, p.Pro589_Asn592del (NM_001177875.2); c.-175+13700_-175+13711del (NM_001423254.1, NM_001423259.1, NM_001423255.1 and 6 more transcripts); c.-103+13700_-103+13711del (NM_001423253.1); c.-40+13700_-40+13711del (NM_001423258.1).
Identifiers: ClinVar variation 4986126 (VCV004986126.1).

ClinVar aggregate classification (germline): Uncertain significance (1 of 4 stars; one submission).

Conditions:
PCSK1-related disorder. Also called: PCSK1-related condition.

Submission:

PreventionGenetics, part of Exact Sciences
Classification: Uncertain significance for PCSK1-related condition. Last evaluated: 2025-05-27. Review status: criteria provided, single submitter. Criteria: ACMG Guidelines, 2015. Collection method: clinical testing. Allele origin: germline.
Comment: The PCSK1 c.1906_1917del12 variant is predicted to result in an in-frame deletion (p.Pro636_Asn639del). To our knowledge, this variant has not been reported in the literature. This variant is reported in 0.0053% of alleles in individuals of European (non-Finnish) descent in gnomAD. At this time, the clinical significance of this variant is uncertain due to the absence of conclusive functional and genetic evidence.